The following is an entry in ClinVar:

ClinVar aggregate classification (germline): Uncertain significance (1 of 4 stars; one submission).

Conditions:
Carney complex, type 1 (CNC1). Also called: CARNEY COMPLEX, TYPE I; CARNEY MYXOMA-ENDOCRINE COMPLEX. Identifiers: Orphanet 1359, MedGen C2607929, MONDO:0008057, OMIM 160980.

gnomAD v4.1: 1 of 1,613,966 alleles (0.000062%); highest among the groups gnomAD compares: African/African-American, 0.0013%; no homozygotes.

Submission:

Labcorp Genetics (formerly Invitae), Labcorp
Classification: Uncertain significance for Carney complex, type 1. Last evaluated: 2024-07-28. Review status: criteria provided, single submitter. Criteria: Invitae Variant Classification Sherloc (09022015). Collection method: clinical testing. Allele origin: germline.
Comment: This sequence change replaces valine, which is neutral and non-polar, with alanine, which is neutral and non-polar, at codon 156 of the PRKAR1A protein (p.Val156Ala). This variant is present in population databases (rs768408952, gnomAD 0.007%). This variant has not been reported in the literature in individuals affected with PRKAR1A-related conditions. Advanced modeling of protein sequence and biophysical properties (such as structural, functional, and spatial information, amino acid conservation, physicochemical variation, residue mobility, and thermodynamic stability) performed at Invitae indicates that this missense variant is not expected to disrupt PRKAR1A protein function with a negative predictive value of 80%. In summary, the available evidence is currently insufficient to determine the role of this variant in disease. Therefore, it has been classified as a Variant of Uncertain Significance.

NM_002734.5(PRKAR1A):c.467T>C (p.Val156Ala)

Gene: PRKAR1A (protein kinase cAMP-dependent type I regulatory subunit alpha; plus strand). Cytogenetic location: 17q24.2.
Variant type: single nucleotide variant.
Coding change: c.467T>C on transcript NM_002734.5 (MANE Select); coding-DNA position 467, T replaced by C.
Protein change: p.Val156Ala; replaces valine 156 with alanine.
Molecular consequence: missense variant.
Genome position (GRCh38, 1-based): chr17:68,524,042, T>C. VCF-style: chr17-68524042-T-C. GRCh37 (hg19) VCF-style: chr17-66520183-T-C.
Other names: c.467T>C, p.Val156Ala (NM_001369389.1, NM_001369390.1, NM_212471.3 and 4 more transcripts); short protein forms V156A.
Identifiers: ClinVar variation 3636924 (VCV003636924.2).